The following is an entry in ClinVar:

ClinVar aggregate classification (germline): Likely benign (0 of 4 stars; one submission).

Conditions:
CAMK2A-related disorder. Also called: CAMK2A-related condition.

Allele frequency attached by ClinVar (database versions not stated): gnomAD 0.00011; gnomAD exomes 0.00011; TOPMed 0.00015; ExAC 0.00023; 1000 Genomes Project 0.00100; 1000 Genomes Project 30x 0.00125.
gnomAD v4.1: 164 of 1,562,628 alleles (0.01%); highest among the groups gnomAD compares: East Asian, 0.33%; no homozygotes.

Submission:

PreventionGenetics, part of Exact Sciences
Classification: Likely benign for CAMK2A-related condition. Last evaluated: 2019-08-08. Review status: no assertion criteria provided. Collection method: clinical testing. Allele origin: germline.
Comment: This variant is classified as likely benign based on ACMG/AMP sequence variant interpretation guidelines (Richards et al. 2015 PMID: 25741868, with internal and published modifications).

NM_015981.4(CAMK2A):c.218-10C>T

Gene: CAMK2A (calcium/calmodulin dependent protein kinase II alpha; minus strand). Cytogenetic location: 5q32.
Variant type: single nucleotide variant.
Coding change: c.218-10C>T on transcript NM_015981.4 (MANE Select); 10 bases into the intron before coding-DNA position 218, C replaced by T.
Molecular consequence: intron variant.
Genome position (GRCh38, 1-based): chr5:150,257,627, G>A on the plus strand (C>T on the coding strand, the complement: CAMK2A is on the minus strand). VCF-style: chr5-150257627-G-A. GRCh37 (hg19) VCF-style: chr5-149637190-G-A.
Other names: c.218-10C>T (NM_001363990.1, NM_001363989.1, NM_171825.3 and 1 more transcripts).
Identifiers: ClinVar variation 3056945 (VCV003056945.2), dbSNP rs201063740, ClinGen allele CA3509923.